The following is an entry in ClinVar:

NM_000350.3(ABCA4):c.1573T>C (p.Phe525Leu)

Gene: ABCA4 (ATP binding cassette subfamily A member 4; minus strand). Cytogenetic location: 1p22.1.
Variant type: single nucleotide variant.
Coding change: c.1573T>C on transcript NM_000350.3 (MANE Select); coding-DNA position 1573, T replaced by C.
Protein change: p.Phe525Leu; replaces phenylalanine 525 with leucine.
Molecular consequence: missense variant.
Genome position (GRCh38, 1-based): chr1:94,063,299, A>G on the plus strand (T>C on the coding strand, the complement: ABCA4 is on the minus strand). VCF-style: chr1-94063299-A-G. GRCh37 (hg19) VCF-style: chr1-94528855-A-G.
Other names: c.1573T>C, p.Phe525Leu (NM_001425324.1); short protein forms F525L.
Identifiers: ClinVar variation 1408647 (VCV001408647.6), dbSNP rs1390212030, ClinGen allele CA341280636.
Genomic context (GRCh38, chr1:94,063,299, plus strand): 5'-TTTCCTCCAGTAGAGAGAGGGCACGTTGGGTGAGCTGAGTTTCATCATTGTAGCTTTCAA[A>G]CTTATCCAGGACCAAGCACTGCAGAGAGTCACAAAGTTGAGAGAGTGTGAGGAGGACCAA-3'
Protein context (NP_000341.2, residues 515-535): QYLECLVLDK[Phe525Leu]ESYNDETQLT

ClinVar aggregate classification (germline): Uncertain significance (1 of 4 stars; one submission).

Allele frequency attached by ClinVar (database versions not stated): gnomAD exomes below 0.00001.
gnomAD v4.1: 1 of 1,614,116 alleles (0.000062%); highest among the groups gnomAD compares: East Asian, 0.0022%; no homozygotes.

Submission:

Labcorp Genetics (formerly Invitae), Labcorp
Classification: Uncertain significance. Last evaluated: 2021-11-22. Review status: criteria provided, single submitter. Criteria: Invitae Variant Classification Sherloc (09022015). Collection method: clinical testing. Allele origin: germline.
Comment: This variant has not been reported in the literature in individuals affected with ABCA4-related conditions. This sequence change replaces phenylalanine, which is neutral and non-polar, with leucine, which is neutral and non-polar, at codon 525 of the ABCA4 protein (p.Phe525Leu). This variant is present in population databases (no rsID available, gnomAD 0.006%). Algorithms developed to predict the effect of missense changes on protein structure and function are either unavailable or do not agree on the potential impact of this missense change (SIFT: "Deleterious"; PolyPhen-2: "Probably Damaging"; Align-GVGD: "Class C15"). This variant disrupts the p.Phe525 amino acid residue in ABCA4. Other variant(s) that disrupt this residue have been observed in individuals with ABCA4-related conditions (PMID: 11527935, 29925512), which suggests that this may be a clinically significant amino acid residue. In summary, the available evidence is currently insufficient to determine the role of this variant in disease. Therefore, it has been classified as a Variant of Uncertain Significance.

Literature cited by the submitters: PubMed 11527935; PubMed 29925512.